The following is an entry in ClinVar:

NM_020166.5(MCCC1):c.1517A>C (p.Glu506Ala)

Gene: MCCC1 (methylcrotonyl-CoA carboxylase subunit 1; minus strand). Cytogenetic location: 3q27.1.
Variant type: single nucleotide variant.
Coding change: c.1517A>C on transcript NM_020166.5 (MANE Select); coding-DNA position 1517, A replaced by C.
Protein change: p.Glu506Ala; replaces glutamic acid 506 with alanine.
Molecular consequence: missense variant. On other transcripts: non-coding transcript variant (1).
Genome position (GRCh38, 1-based): chr3:183,037,295, T>G on the plus strand (A>C on the coding strand, the complement: MCCC1 is on the minus strand). VCF-style: chr3-183037295-T-G. GRCh37 (hg19) VCF-style: chr3-182755083-T-G.
Other names: c.1166A>C, p.Glu389Ala (NM_001293273.2); c.1190A>C, p.Glu397Ala (NM_001363880.1); short protein forms E506A, E389A, E397A.
Identifiers: ClinVar variation 2140706 (VCV002140706.2), dbSNP rs202092414, ClinGen allele CA2718757.

ClinVar aggregate classification (germline): Uncertain significance (1 of 4 stars; one submission).

Conditions:
3-methylcrotonyl-CoA carboxylase 1 deficiency (MCC1D). Also called: MCCD TYPE 1; METHYLCROTONYLGLYCINURIA TYPE I; MCC 1 deficiency; 3 Alpha methylcrotonylglycinuria 1. Identifiers: Orphanet 6, MedGen CN028786, MONDO:0008861, OMIM 210200.

Allele frequency attached by ClinVar (database versions not stated): ExAC 0.00001; gnomAD exomes 0.00001; TOPMed 0.00001; gnomAD 0.00002; 1000 Genomes Project 0.00020; 1000 Genomes Project 30x 0.00031.
gnomAD v4.1: 6 of 1,614,146 alleles (0.00037%); highest among the groups gnomAD compares: African/African-American, 0.0013%; no homozygotes.

Submission:

Labcorp Genetics (formerly Invitae), Labcorp
Classification: Uncertain significance for 3-methylcrotonyl-CoA carboxylase 1 deficiency. Last evaluated: 2026-01-26. Review status: criteria provided, single submitter. Criteria: Invitae Variant Classification Sherloc (09022015). Collection method: clinical testing. Allele origin: germline.
Comment: This sequence change replaces glutamic acid, which is acidic and polar, with alanine, which is neutral and non-polar, at codon 506 of the MCCC1 protein (p.Glu506Ala). This variant is present in population databases (rs202092414, gnomAD 0.002%). This variant has not been reported in the literature in individuals affected with MCCC1-related conditions. ClinVar contains an entry for this variant (Variation ID: 2140706). Invitae Evidence Modeling of protein sequence and biophysical properties (such as structural, functional, and spatial information, amino acid conservation, physicochemical variation, residue mobility, and thermodynamic stability) indicates that this missense variant is not expected to disrupt MCCC1 protein function with a negative predictive value of 95%. In summary, the available evidence is currently insufficient to determine the role of this variant in disease. Therefore, it has been classified as a Variant of Uncertain Significance.